The following is an entry in ClinVar:

NM_002430.3(MN1):c.884A>T (p.Gln295Leu)

Gene: MN1 (MN1 proto-oncogene, transcriptional regulator; minus strand). Cytogenetic location: 22q12.1.
Variant type: single nucleotide variant.
Coding change: c.884A>T on transcript NM_002430.3 (MANE Select); coding-DNA position 884, A replaced by T.
Protein change: p.Gln295Leu; replaces glutamine 295 with leucine.
Molecular consequence: missense variant.
Genome position (GRCh38, 1-based): chr22:27,799,660, T>A on the plus strand (A>T on the coding strand, the complement: MN1 is on the minus strand). VCF-style: chr22-27799660-T-A. GRCh37 (hg19) VCF-style: chr22-28195648-T-A.
Other names: short protein forms Q295L.
Identifiers: ClinVar variation 4998911 (VCV004998911.1).

ClinVar aggregate classification (germline): Uncertain significance (1 of 4 stars; one submission).

Conditions:
MN1-related disorder. Also called: MN1-related condition.

Submission:

PreventionGenetics, part of Exact Sciences
Classification: Uncertain significance for MN1-related condition. Last evaluated: 2025-03-25. Review status: criteria provided, single submitter. Criteria: ACMG Guidelines, 2015. Collection method: clinical testing. Allele origin: germline.
Comment: The MN1 c.884A>T variant is predicted to result in the amino acid substitution p.Gln295Leu. To our knowledge, this variant has not been reported in the literature or in a large population database (gnomAD), indicating this variant is rare. At this time, the clinical significance of this variant is uncertain due to the absence of conclusive functional and genetic evidence.